The following is an entry in ClinVar:

ClinVar aggregate classification (germline): Conflicting classifications of pathogenicity. Review status: criteria provided, conflicting classifications (1 of 4 stars). 7 submissions from 6 submitters: Uncertain significance (2); Likely benign (5). Last evaluated 2025-01-20.

Conditions:
Catecholaminergic polymorphic ventricular tachycardia (CVPT). Also called: Catecholamine-induced polymorphic ventricular tachycardia. Identifiers: Orphanet 3286, MedGen C5574922, MONDO:0017990.
Cardiovascular phenotype. Identifiers: MedGen CN230736.
Catecholaminergic polymorphic ventricular tachycardia 1. Also called: RYR2-Related Catecholaminergic Polymorphic Ventricular Tachycardia; VENTRICULAR TACHYCARDIA, STRESS-INDUCED POLYMORPHIC 1; VENTRICULAR TACHYCARDIA, CATECHOLAMINERGIC POLYMORPHIC, 1, WITH OR WITHOUT ATRIAL DYSFUNCTION AND/OR DILATED CARDIOMYOPATHY. Identifiers: Orphanet 3286, MedGen C1631597, MONDO:0011484, OMIM 604772.
Cardiomyopathy (CMYO). Also called: Cardiomyopathies. Identifiers: Orphanet 167848, MedGen C0878544, MONDO:0004994, HP:0001638. Inheritance: Various modes of inheritance.
Arrhythmogenic right ventricular dysplasia 2. Identifiers: MedGen C1832931.

Allele frequency attached by ClinVar (database versions not stated): gnomAD 0.00001; gnomAD exomes 0.00003.
gnomAD v4.1: 122 of 1,479,066 alleles (0.0082%); highest among the groups gnomAD compares: Non-Finnish European, 0.01%; no homozygotes.

Submissions (7):

Labcorp Genetics (formerly Invitae), Labcorp
Classification: Likely benign for Catecholaminergic polymorphic ventricular tachycardia 1. Last evaluated: 2025-01-20. Review status: criteria provided, single submitter. Criteria: Invitae Variant Classification Sherloc (09022015). Collection method: clinical testing. Allele origin: germline.

Ambry Genetics
Classification: Likely benign for Cardiovascular phenotype. Last evaluated: 2024-10-21. Review status: criteria provided, single submitter. Criteria: Ambry Variant Classification Scheme 2023. Collection method: clinical testing. Allele origin: germline.

All of Us Research Program, National Institutes of Health
Classification: Likely benign for Catecholaminergic polymorphic ventricular tachycardia. Last evaluated: 2023-12-01. Review status: criteria provided, single submitter. Criteria: ACMG Guidelines, 2015. Collection method: clinical testing. Allele origin: germline. Inheritance: Autosomal dominant inheritance. Observed: 3 variant alleles, 3 heterozygotes.
Comment: This study involves interpretation of variants in research participants for the purpose of population health screening. Participant phenotype was not available at the time of variant classification. Additional details can be found in publication PMID: 35346344, PMCID: PMC8962531

Color Diagnostics, LLC DBA Color Health
Classification: Likely benign for Cardiomyopathy. Last evaluated: 2018-12-04. Review status: criteria provided, single submitter. Criteria: ACMG Guidelines, 2015. Collection method: clinical testing. Allele origin: germline.

Illumina Laboratory Services, Illumina
Classification: Uncertain significance for Catecholaminergic polymorphic ventricular tachycardia 1. Last evaluated: 2018-01-22. Review status: criteria provided, single submitter. Criteria: ICSL Variant Classification Criteria 13 December 2019. Collection method: clinical testing. Allele origin: germline.

Illumina Laboratory Services, Illumina
Classification: Uncertain significance for Catecholaminergic polymorphic ventricular tachycardia 1. Last evaluated: 2018-01-22. Review status: criteria provided, single submitter. Criteria: ICSL Variant Classification Criteria 13 December 2019. Collection method: clinical testing. Allele origin: germline.

GeneDx
Classification: Likely benign. Last evaluated: 2015-11-24. Review status: criteria provided, single submitter. Criteria: GeneDx Variant Classification (06012015). Collection method: clinical testing. Allele origin: germline. Affected: yes.
Comment: This variant is considered likely benign or benign based on one or more of the following criteria: it is a conservative change, it occurs at a poorly conserved position in the protein, it is predicted to be benign by multiple in silico algorithms, and/or has population frequency not consistent with disease.

NM_001035.3(RYR2):c.2808G>A (p.Ser936=)

Gene: RYR2 (ryanodine receptor 2; plus strand). Cytogenetic location: 1q43.
Variant type: single nucleotide variant.
Coding change: c.2808G>A on transcript NM_001035.3 (MANE Select); coding-DNA position 2808, G replaced by A.
Protein change: p.Ser936=; no amino-acid change (serine 936 retained).
Molecular consequence: synonymous variant.
Genome position (GRCh38, 1-based): chr1:237,511,777, G>A. VCF-style: chr1-237511777-G-A. GRCh37 (hg19) VCF-style: chr1-237675077-G-A.
Other names: c.2808G>A, p.Ser936= (LRG_402t1).
Identifiers: ClinVar variation 381914 (VCV000381914.20), dbSNP rs1057521205, ClinGen allele CA16603638.